The following is an entry in ClinVar:

NM_000719.7(CACNA1C):c.847G>A (p.Ala283Thr)

Gene: CACNA1C (calcium voltage-gated channel subunit alpha1 C; plus strand). Cytogenetic location: 12p13.33.
Variant type: single nucleotide variant.
Coding change: c.847G>A on transcript NM_000719.7 (MANE Select); coding-DNA position 847, G replaced by A.
Protein change: p.Ala283Thr; replaces alanine 283 with threonine.
Molecular consequence: missense variant.
Genome position (GRCh38, 1-based): chr12:2,486,193, G>A. VCF-style: chr12-2486193-G-A. GRCh37 (hg19) VCF-style: chr12-2595359-G-A.
Other names: c.847G>A, p.Ala283Thr (NM_001129827.2, NM_001129829.2, NM_001129830.3 and 19 more transcripts); short protein forms A283T.
Identifiers: ClinVar variation 1712880 (VCV001712880.4), dbSNP rs1325179357, ClinGen allele CA383369441.

ClinVar aggregate classification (germline): Uncertain significance. Review status: criteria provided, multiple submitters, no conflicts (2 of 4 stars). 2 submissions from 2 submitters: Uncertain significance (2). Last evaluated 2022-04-29.

Conditions:
Cardiovascular phenotype. Identifiers: MedGen CN230736.

Allele frequency attached by ClinVar (database versions not stated): gnomAD exomes below 0.00001.
gnomAD v4.1: 2 of 1,613,642 alleles (0.00012%); highest among the groups gnomAD compares: Non-Finnish European, 0.00017%; no homozygotes.

Submissions (2):

GeneDx
Classification: Uncertain significance. Last evaluated: 2022-04-29. Review status: criteria provided, single submitter. Criteria: GeneDx Variant Classification Process June 2021. Collection method: clinical testing. Allele origin: germline. Affected: yes.
Comment: Not observed at significant frequency in large population cohorts (gnomAD); In silico analysis supports that this missense variant has a deleterious effect on protein structure/function; De novo variant with confirmed parentage; however, the reported clinical features are only partially consistent with the features typically observed in individuals with pathogenic variants in this gene; Has not been previously published as pathogenic or benign to our knowledge

Ambry Genetics
Classification: Uncertain significance for Cardiovascular phenotype. Last evaluated: 2022-04-07. Review status: criteria provided, single submitter. Criteria: Ambry Variant Classification Scheme 2023. Collection method: clinical testing. Allele origin: germline.
Comment: The p.A283T variant (also known as c.847G>A), located in coding exon 6 of the CACNA1C gene, results from a G to A substitution at nucleotide position 847. The alanine at codon 283 is replaced by threonine, an amino acid with similar properties. According to data from gnomAD, the frequency for this variant is above the maximum credible frequency for a cardiac disease-causing variant in this gene based on internally established thresholds (Karczewski et al. Nature. 2020 May;581(7809):434-443; Whiffin et al. Genet Med. 2017 10;19:1151-1158). This amino acid position is highly conserved in available vertebrate species. In addition, this alteration is predicted to be deleterious by in silico analysis. Based on the supporting evidence, the association of this alteration with CACNA1C-related neurodevelopmental disorder is unknown; however, the association with CACNA1C-related Timothy syndrome or long QT syndrome is unlikely.